The following is an entry in ClinVar:

ClinVar aggregate classification (germline): Uncertain significance (1 of 4 stars; one submission).

Conditions:
Familial hypercholesterolemia. Also called: Familial hypercholesterolaemia. Identifiers: MedGen C0020445, MONDO:0005439.

Submission:

Color Diagnostics, LLC DBA Color Health
Classification: Uncertain significance for Familial hypercholesterolemia. Last evaluated: 2025-08-30. Review status: criteria provided, single submitter. Criteria: ACMG Guidelines, 2015. Collection method: clinical testing. Allele origin: germline.
Comment: This missense variant replaces glycine with arginine at codon 267 of the PCSK9 protein. Computational prediction suggests that this variant may have deleterious impact on protein structure and function. To our knowledge, functional studies have not been reported for this variant. This variant has not been reported in individuals affected with PCSK9-related disorders in the literature. This variant has not been identified in the general population by the Genome Aggregation Database (gnomAD). The available evidence is insufficient to determine the role of this variant in disease conclusively. Therefore, this variant is classified as a Variant of Uncertain Significance.

NM_174936.4(PCSK9):c.799G>C (p.Gly267Arg)

Gene: PCSK9 (proprotein convertase subtilisin/kexin type 9; plus strand). Cytogenetic location: 1p32.3.
Variant type: single nucleotide variant.
Coding change: c.799G>C on transcript NM_174936.4 (MANE Select); coding-DNA position 799, G replaced by C.
Protein change: p.Gly267Arg; replaces glycine 267 with arginine.
Molecular consequence: missense variant. On other transcripts: non-coding transcript variant (8).
Genome position (GRCh38, 1-based): chr1:55,052,791, G>C. VCF-style: chr1-55052791-G-C. GRCh37 (hg19) VCF-style: chr1-55518464-G-C.
Other names: c.922G>C, p.Gly308Arg (NM_001407240.1); c.799G>C, p.Gly267Arg (NM_001407241.1, NM_001407244.1, NM_001407247.1); c.802G>C, p.Gly268Arg (NM_001407242.1); c.742G>C, p.Gly248Arg (NM_001407243.1); c.607G>C, p.Gly203Arg (NM_001407245.1); c.424G>C, p.Gly142Arg (NM_001407246.1); short protein forms G142R, G203R, G248R, G267R, G268R, G308R.
Identifiers: ClinVar variation 4757949 (VCV004757949.1).